The following is an entry in ClinVar:

NM_000642.3(AGL):c.1611+5A>G

Gene: AGL (amylo-alpha-1,6-glucosidase and 4-alpha-glucanotransferase; plus strand). Cytogenetic location: 1p21.2.
Variant type: single nucleotide variant.
Coding change: c.1611+5A>G on transcript NM_000642.3 (MANE Select); 5 bases into the intron after coding-DNA position 1611, A replaced by G.
Molecular consequence: intron variant.
Genome position (GRCh38, 1-based): chr1:99,877,833, A>G. VCF-style: chr1-99877833-A-G. GRCh37 (hg19) VCF-style: chr1-100343389-A-G.
Other names: c.1611+5A>G (NM_000643.3, NM_000644.3, NM_001425326.1 and 2 more transcripts); c.1563+5A>G (NM_000646.3); c.1410+5A>G (NM_001425327.1); c.1407+5A>G (NM_001425328.1, NM_001425329.1); c.1233+5A>G (NM_001425332.1).
Identifiers: ClinVar variation 3609701 (VCV003609701.2).

ClinVar aggregate classification (germline): Uncertain significance (1 of 4 stars; one submission).

Conditions:
Glycogen storage disease type III (GSD3). Also called: Cori disease; FORBES DISEASE. Identifiers: Orphanet 366, MedGen C0017922, MONDO:0009291, OMIM 232400.

gnomAD v4.1: 9 of 1,613,548 alleles (0.00056%); highest among the groups gnomAD compares: Non-Finnish European, 0.00068%; no homozygotes.

Submission:

Labcorp Genetics (formerly Invitae), Labcorp
Classification: Uncertain significance for Glycogen storage disease type III. Last evaluated: 2024-08-05. Review status: criteria provided, single submitter. Criteria: Invitae Variant Classification Sherloc (09022015). Collection method: clinical testing. Allele origin: germline.
Comment: This sequence change falls in intron 12 of the AGL gene. It does not directly change the encoded amino acid sequence of the AGL protein. It affects a nucleotide within the consensus splice site. This variant is present in population databases (no rsID available, gnomAD 0.0009%). This variant has not been reported in the literature in individuals affected with AGL-related conditions. Variants that disrupt the consensus splice site are a relatively common cause of aberrant splicing (PMID: 17576681, 9536098). Algorithms developed to predict the effect of sequence changes on RNA splicing suggest that this variant is not likely to affect RNA splicing. In summary, the available evidence is currently insufficient to determine the role of this variant in disease. Therefore, it has been classified as a Variant of Uncertain Significance.

Literature cited by the submitters: PubMed 17576681; PubMed 9536098.